The following is an entry in ClinVar:

NM_000918.4(P4HB):c.1255A>G (p.Asn419Asp)

Gene: P4HB (prolyl 4-hydroxylase subunit beta; minus strand). Cytogenetic location: 17q25.3.
Variant type: single nucleotide variant.
Coding change: c.1255A>G on transcript NM_000918.4 (MANE Select); coding-DNA position 1255, A replaced by G.
Protein change: p.Asn419Asp; replaces asparagine 419 with aspartic acid.
Molecular consequence: missense variant.
Genome position (GRCh38, 1-based): chr17:81,845,665, T>C on the plus strand (A>G on the coding strand, the complement: P4HB is on the minus strand). VCF-style: chr17-81845665-T-C. GRCh37 (hg19) VCF-style: chr17-79803541-T-C.
Other names: short protein forms N419D.
Identifiers: ClinVar variation 2858868 (VCV002858868.3), dbSNP rs2038724071, ClinGen allele CA401506647.
Genomic context (GRCh38, chr17:81,845,665, plus strand): 5'-TGTGCACTTTGACGGCCTCCACCTCGTTGGCAGTCGAGTCCATCTTGGCGATGACGATGT[T>C]CTCATGGTCCTTGTACGTCTCTCCCAGTTTATCCCAAATGGGAGCCAACTGTTTGCAGTG-3'
Protein context (NP_000909.2, residues 409-429): KLGETYKDHE[Asn419Asp]IVIAKMDSTA

ClinVar aggregate classification (germline): Uncertain significance (1 of 4 stars; one submission).

Allele frequency attached by ClinVar (database versions not stated): gnomAD exomes below 0.00001; gnomAD 0.00001; TOPMed 0.00001.

Submission:

Labcorp Genetics (formerly Invitae), Labcorp
Classification: Uncertain significance. Last evaluated: 2024-09-05. Review status: criteria provided, single submitter. Criteria: Invitae Variant Classification Sherloc (09022015). Collection method: clinical testing. Allele origin: germline.
Comment: This sequence change replaces asparagine, which is neutral and polar, with aspartic acid, which is acidic and polar, at codon 419 of the P4HB protein (p.Asn419Asp). This variant is not present in population databases (gnomAD no frequency). This variant has not been reported in the literature in individuals affected with P4HB-related conditions. Invitae Evidence Modeling of protein sequence and biophysical properties (such as structural, functional, and spatial information, amino acid conservation, physicochemical variation, residue mobility, and thermodynamic stability) indicates that this missense variant is not expected to disrupt P4HB protein function with a negative predictive value of 80%. In summary, the available evidence is currently insufficient to determine the role of this variant in disease. Therefore, it has been classified as a Variant of Uncertain Significance.